The following is an entry in ClinVar:

NM_031427.4(DNAL1):c.551G>T (p.Gly184Val)

Gene: DNAL1 (dynein axonemal light chain 1; plus strand). Cytogenetic location: 14q24.3.
Variant type: single nucleotide variant.
Coding change: c.551G>T on transcript NM_031427.4 (MANE Select); coding-DNA position 551, G replaced by T.
Protein change: p.Gly184Val; replaces glycine 184 with valine.
Molecular consequence: missense variant.
Genome position (GRCh38, 1-based): chr14:73,695,920, G>T. VCF-style: chr14-73695920-G-T. GRCh37 (hg19) VCF-style: chr14-74162623-G-T.
Other names: c.434G>T, p.Gly145Val (NM_001201366.2); short protein forms G145V, G184V.
Identifiers: ClinVar variation 4747715 (VCV004747715.1).

ClinVar aggregate classification (germline): Uncertain significance (1 of 4 stars; one submission).

Conditions:
Primary ciliary dyskinesia 16. Also called: CILIARY DYSKINESIA, PRIMARY, 16, WITH OR WITHOUT SITUS INVERSUS. Identifiers: Orphanet 244, MedGen C3151460, MONDO:0013525, OMIM 614017.

gnomAD v4.1: 1 of 1,588,810 alleles (0.000063%); highest among the groups gnomAD compares: Non-Finnish European, 0.000086%; no homozygotes.

Submission:

Labcorp Genetics (formerly Invitae), Labcorp
Classification: Uncertain significance for Primary ciliary dyskinesia 16. Last evaluated: 2025-12-17. Review status: criteria provided, single submitter. Criteria: Invitae Variant Classification Sherloc (09022015). Collection method: clinical testing. Allele origin: germline.
Comment: This sequence change replaces glycine, which is neutral and non-polar, with valine, which is neutral and non-polar, at codon 184 of the DNAL1 protein (p.Gly184Val). The frequency data for this variant in the population databases is considered unreliable, as metrics indicate poor data quality at this position in the gnomAD database. This variant has not been reported in the literature in individuals affected with DNAL1-related conditions. An algorithm developed to predict the effect of missense changes on protein structure and function (PolyPhen-2) suggests that this variant is likely to be tolerated. In summary, the available evidence is currently insufficient to determine the role of this variant in disease. Therefore, it has been classified as a Variant of Uncertain Significance.